The following is an entry in ClinVar:

ClinVar aggregate classification (germline): Uncertain significance. Review status: criteria provided, multiple submitters, no conflicts (2 of 4 stars). 3 submissions from 3 submitters: Uncertain significance (3). Last evaluated 2022-11-08.

Conditions:
Inborn genetic diseases. Identifiers: MedGen C0950123, MeSH D030342.

Allele frequency attached by ClinVar (database versions not stated): TOPMed 0.00002; gnomAD 0.00003; gnomAD exomes 0.00003 and 0.00004; ExAC 0.00005; 1000 Genomes Project 30x 0.00016; 1000 Genomes Project 0.00020.
gnomAD v4.1: 56 of 1,612,312 alleles (0.0035%); highest among the groups gnomAD compares: Non-Finnish European, 0.0042%; no homozygotes.

Submissions (3):

Labcorp Genetics (formerly Invitae), Labcorp
Classification: Uncertain significance. Last evaluated: 2022-11-08. Review status: criteria provided, single submitter. Criteria: Invitae Variant Classification Sherloc (09022015). Collection method: clinical testing. Allele origin: germline.
Comment: In summary, the available evidence is currently insufficient to determine the role of this variant in disease. Therefore, it has been classified as a Variant of Uncertain Significance. Advanced modeling of protein sequence and biophysical properties (such as structural, functional, and spatial information, amino acid conservation, physicochemical variation, residue mobility, and thermodynamic stability) performed at Invitae indicates that this missense variant is not expected to disrupt SLC25A24 protein function. ClinVar contains an entry for this variant (Variation ID: 1175741). This variant has not been reported in the literature in individuals affected with SLC25A24-related conditions. This variant is present in population databases (rs200993204, gnomAD 0.007%). This sequence change replaces arginine, which is basic and polar, with cysteine, which is neutral and slightly polar, at codon 248 of the SLC25A24 protein (p.Arg248Cys).

Ambry Genetics
Classification: Uncertain significance for Inborn genetic diseases. Last evaluated: 2021-12-06. Review status: criteria provided, single submitter. Criteria: Ambry Variant Classification Scheme 2023. Collection method: clinical testing. Allele origin: germline.

CeGaT Center for Human Genetics Tuebingen
Classification: Uncertain significance. Last evaluated: 2021-06-01. Review status: criteria provided, single submitter. Criteria: CeGaT Center For Human Genetics Tuebingen Variant Classification Criteria Version 2. Collection method: clinical testing. Allele origin: germline. Affected: yes. Observed: 1 variant allele.

NM_013386.5(SLC25A24):c.742C>T (p.Arg248Cys)

Gene: SLC25A24 (solute carrier family 25 member 24; minus strand). Cytogenetic location: 1p13.3.
Variant type: single nucleotide variant.
Coding change: c.742C>T on transcript NM_013386.5 (MANE Select); coding-DNA position 742, C replaced by T.
Protein change: p.Arg248Cys; replaces arginine 248 with cysteine.
Molecular consequence: missense variant.
Genome position (GRCh38, 1-based): chr1:108,155,063, G>A on the plus strand (C>T on the coding strand, the complement: SLC25A24 is on the minus strand). VCF-style: chr1-108155063-G-A. GRCh37 (hg19) VCF-style: chr1-108697685-G-A.
Other names: c.742C>T (NM_013386.3); c.685C>T, p.Arg229Cys (NM_213651.3); short protein forms R229C, R248C.
Identifiers: ClinVar variation 1175741 (VCV001175741.41), dbSNP rs200993204, ClinGen allele CA979210.
Genomic context (GRCh38, chr1:108,155,063, plus strand): 5'-TAACAGCTGTCTCAGGAGCAATTTTGATGACGTTTGTACCATTTCCCCTCCAAAGCGAGC[G>A]GATACCTCCTTCTTTTACCATCTGTCGAAAGCCACCAAATATGTTCATTTTGTCTGATTT-3'
Protein context (NP_037518.3, residues 238-258): FRQMVKEGGI[Arg248Cys]SLWRGNGTNV